The following is an entry in ClinVar:

ClinVar aggregate classification (germline): Uncertain significance (1 of 4 stars; one submission).

gnomAD v4.1: 13 of 1,560,624 alleles (0.00083%); highest among the groups gnomAD compares: Non-Finnish European, 0.0011%; no homozygotes.

Submission:

Labcorp Genetics (formerly Invitae), Labcorp
Classification: Uncertain significance. Last evaluated: 2026-01-12. Review status: criteria provided, single submitter. Criteria: Invitae Variant Classification Sherloc (09022015). Collection method: clinical testing. Allele origin: germline.
Comment: This sequence change replaces glycine, which is neutral and non-polar, with arginine, which is basic and polar, at codon 384 of the TCF3 protein (p.Gly384Arg). This variant is not present in population databases (gnomAD no frequency). This variant has not been reported in the literature in individuals affected with TCF3-related conditions. Invitae Evidence Modeling of protein sequence and biophysical properties (such as structural, functional, and spatial information, amino acid conservation, physicochemical variation, residue mobility, and thermodynamic stability) indicates that this missense variant is not expected to disrupt TCF3 protein function with a negative predictive value of 80%. In summary, the available evidence is currently insufficient to determine the role of this variant in disease. Therefore, it has been classified as a Variant of Uncertain Significance.

NM_003200.5(TCF3):c.1150G>C (p.Gly384Arg)

Gene: TCF3 (transcription factor 3; minus strand). Cytogenetic location: 19p13.3.
Variant type: single nucleotide variant.
Coding change: c.1150G>C on transcript NM_003200.5 (MANE Select); coding-DNA position 1150, G replaced by C.
Protein change: p.Gly384Arg; replaces glycine 384 with arginine.
Molecular consequence: missense variant.
Genome position (GRCh38, 1-based): chr19:1,619,797, C>G on the plus strand (G>C on the coding strand, the complement: TCF3 is on the minus strand). VCF-style: chr19-1619797-C-G. GRCh37 (hg19) VCF-style: chr19-1619796-C-G.
Other names: c.1150G>C, p.Gly384Arg (NM_001136139.4, NM_001351778.2, NM_001351779.2); short protein forms G384R.
Identifiers: ClinVar variation 4769925 (VCV004769925.1).